The following is an entry in ClinVar:

ClinVar aggregate classification (germline): Uncertain significance (1 of 4 stars; one submission).

Submission:

GeneDx
Classification: Uncertain significance. Last evaluated: 2024-06-26. Review status: criteria provided, single submitter. Criteria: GeneDx Variant Classification Process June 2021. Collection method: clinical testing. Allele origin: germline. Affected: yes.
Comment: Not observed at significant frequency in large population cohorts (gnomAD); In silico analysis indicates that this missense variant does not alter protein structure/function; Has not been previously published as pathogenic or benign to our knowledge

NM_001371928.1(AHDC1):c.605C>G (p.Pro202Arg)

Gene: AHDC1 (AT-hook DNA binding motif containing 1; minus strand). Cytogenetic location: 1p36.11.
Variant type: single nucleotide variant.
Coding change: c.605C>G on transcript NM_001371928.1 (MANE Select); coding-DNA position 605, C replaced by G.
Protein change: p.Pro202Arg; replaces proline 202 with arginine.
Molecular consequence: missense variant.
Genome position (GRCh38, 1-based): chr1:27,551,511, G>C on the plus strand (C>G on the coding strand, the complement: AHDC1 is on the minus strand). VCF-style: chr1-27551511-G-C. GRCh37 (hg19) VCF-style: chr1-27878022-G-C.
Other names: c.605C>G, p.Pro202Arg (NM_001029882.3); short protein forms P202R.
Identifiers: ClinVar variation 3392930 (VCV003392930.1).